The following is an entry in ClinVar:

ClinVar aggregate classification (germline): Pathogenic (1 of 4 stars; one submission).

Conditions:
Ellis-van Creveld syndrome (EVC). Also called: MESOECTODERMAL DYSPLASIA; Chondroectodermal dysplasia. Identifiers: Orphanet 289, MedGen C0013903, MONDO:0009162, OMIM 225500.

Submission:

Myriad Genetics, Inc.
Classification: Pathogenic for Ellis-van Creveld syndrome. Last evaluated: 2024-11-11. Review status: criteria provided, single submitter. Criteria: Myriad Autosomal Dominant, Autosomal Recessive and X-Linked Classification Criteria (2023). Collection method: clinical testing. Allele origin: unknown.
Comment: NM_153717.2(EVC):c.1249delC(Q417Rfs*83) is expected to be pathogenic in the context of EVC-related Ellis-van Creveld syndrome. This variant is predicted to lead to an abnormal or absent protein product due to the creation of a premature termination codon in EVC, a gene where loss-of-function variants are known to be pathogenic. Please note: this variant was assessed in the context of healthy population screening.

NM_153717.3(EVC):c.1249del (p.Gln417fs)

Gene: EVC (EvC ciliary complex subunit 1; plus strand). Cytogenetic location: 4p16.2.
Variant type: Deletion.
Coding change: c.1249del on transcript NM_153717.3 (MANE Select); coding-DNA position 1249, one base deleted (C; older notation c.1249delC).
Protein change: p.Gln417fs; shifts the reading frame from glutamine 417.
Molecular consequence: frameshift variant.
Genome position (GRCh38, 1-based): chr4:5,752,986, C deleted. VCF-style (leftmost placement, unchanged base first): chr4-5752985-GC-G. GRCh37 (hg19) VCF-style: chr4-5754712-GC-G.
Other names: c.1249del, p.Gln417fs (NM_001306090.2, NM_001306092.2); short protein forms Q417fs.
Identifiers: ClinVar variation 5013732 (VCV005013732.1).